The following is an entry in ClinVar:

ClinVar aggregate classification (germline): Uncertain significance. Review status: criteria provided, multiple submitters, no conflicts (2 of 4 stars). 2 submissions from 2 submitters: Uncertain significance (2). Last evaluated 2025-02-20.

Allele frequency attached by ClinVar (database versions not stated): ExAC 0.00001; gnomAD 0.00005; ESP Exome Variant Server 0.00008; 1000 Genomes Project 30x 0.00016; 1000 Genomes Project 0.00020.
gnomAD v4.1: 8 of 1,612,746 alleles (0.0005%); highest among the groups gnomAD compares: African/African-American, 0.011%; no homozygotes.

Submissions (2):

Ambry Genetics
Classification: Uncertain significance. Last evaluated: 2025-02-20. Review status: criteria provided, single submitter. Criteria: Ambry Variant Classification Scheme 2023. Collection method: clinical testing. Allele origin: germline.
Comment: The p.P530R variant (also known as c.1589C>G), located in coding exon 8 of the RNF43 gene, results from a C to G substitution at nucleotide position 1589. The proline at codon 530 is replaced by arginine, an amino acid with dissimilar properties. This amino acid position is well conserved in available vertebrate species. In addition, this alteration is predicted to be tolerated by in silico analysis. The evidence for this gene-disease relationship is limited; therefore, the clinical significance of this alteration is unclear.

Labcorp Genetics (formerly Invitae), Labcorp
Classification: Uncertain significance. Last evaluated: 2022-10-27. Review status: criteria provided, single submitter. Criteria: Invitae Variant Classification Sherloc (09022015). Collection method: clinical testing. Allele origin: germline.
Comment: This sequence change replaces proline, which is neutral and non-polar, with arginine, which is basic and polar, at codon 530 of the RNF43 protein (p.Pro530Arg). This variant is present in population databases (rs372693738, gnomAD 0.007%). This variant has not been reported in the literature in individuals affected with RNF43-related conditions. Algorithms developed to predict the effect of missense changes on protein structure and function are either unavailable or do not agree on the potential impact of this missense change (SIFT: "Deleterious"; PolyPhen-2: "Benign"; Align-GVGD: "Class C65"). In summary, the available evidence is currently insufficient to determine the role of this variant in disease. Therefore, it has been classified as a Variant of Uncertain Significance.

NM_017763.6(RNF43):c.1589C>G (p.Pro530Arg)

Gene: RNF43 (ring finger protein 43; minus strand). Cytogenetic location: 17q22.
Variant type: single nucleotide variant.
Coding change: c.1589C>G on transcript NM_017763.6 (MANE Select); coding-DNA position 1589, C replaced by G.
Protein change: p.Pro530Arg; replaces proline 530 with arginine.
Molecular consequence: missense variant.
Genome position (GRCh38, 1-based): chr17:58,358,187, G>C on the plus strand (C>G on the coding strand, the complement: RNF43 is on the minus strand). VCF-style: chr17-58358187-G-C. GRCh37 (hg19) VCF-style: chr17-56435548-G-C.
Other names: c.1589C>G, p.Pro530Arg (NM_001305544.3); c.1208C>G, p.Pro403Arg (NM_001305545.2); short protein forms P403R, P530R.
Identifiers: ClinVar variation 2418051 (VCV002418051.7), dbSNP rs372693738, ClinGen allele CA8673152.
Genomic context (GRCh38, chr17:58,358,187, plus strand): 5'-TAGTGGACATGGCTGGAAACCTGGGTTTCCCCTGTGGGCACCACCGAGTCCAAGGAACGA[G>C]GCCGAGAGGTCACACTAGGCTGCATGTCCACTCGCTGGGGATCCCCTTTAGGGCTGCAGT-3'
Protein context (NP_060233.3, residues 520-540): VDMQPSVTSR[Pro530Arg]RSLDSVVPTG